The following is an entry in ClinVar:

NM_170707.4(LMNA):c.1276_1277del (p.Ser426fs)

Gene: LMNA (lamin A/C; plus strand). Cytogenetic location: 1q22.
Variant type: Microsatellite.
Coding change: c.1276_1277del on transcript NM_170707.4 (MANE Select); coding-DNA positions 1276 to 1277, 2 bases deleted (AG; older notation c.1276_1277delAG).
Protein change: p.Ser426fs; shifts the reading frame from serine 426.
Molecular consequence: frameshift variant.
Genome position (GRCh38, 1-based): chr1:156,136,332-156,136,333, AG deleted; deleting any 2 consecutive bases within chr1:156,136,329-156,136,333 gives the same sequence; the c. name uses the placement nearest the transcript's 3' end. VCF-style (leftmost placement, unchanged base first): chr1-156136328-TGA-T. GRCh37 (hg19) VCF-style: chr1-156106119-TGA-T.
Other names: c.940_941del, p.Ser314fs (NM_001257374.3); c.1033_1034del, p.Ser345fs (NM_001282624.2); c.1276_1277del, p.Ser426fs (NM_001282625.2, NM_001282626.2, NM_005572.4 and 1 more transcripts); short protein forms S345fs, S426fs, S314fs.
Identifiers: ClinVar variation 200962 (VCV000200962.8), dbSNP rs1553265865, ClinGen allele CA016930.
Genomic context (GRCh38, chr1:156,136,328, plus strand): 5'-TCACTCATCCCAGACACAGGGTGGGGGCAGCGTCACCAAAAAGCGCAAACTGGAGTCCAC[TGA>T]GAGCCGCAGCAGCTTCTCACAGCACGCACGCACTAGCGGGCGCGTGGCCGTGGAGGAGGT-3'

ClinVar aggregate classification (germline): Pathogenic. Review status: criteria provided, multiple submitters, no conflicts (2 of 4 stars). 2 submissions from 2 submitters: Pathogenic (2). Last evaluated 2025-09-20.

Conditions:
Cardiovascular phenotype. Identifiers: MedGen CN230736.
Charcot-Marie-Tooth disease type 2. Also called: Charcot-Marie-Tooth type 2. Identifiers: Orphanet 64746, MedGen C0270914, MONDO:0018993.

Submissions (2):

Labcorp Genetics (formerly Invitae), Labcorp
Classification: Pathogenic for Charcot-Marie-Tooth disease type 2. Last evaluated: 2025-09-20. Review status: criteria provided, single submitter. Criteria: Invitae Variant Classification Sherloc (09022015). Collection method: clinical testing. Allele origin: germline.
Comment: This sequence change creates a premature translational stop signal (p.Ser426Profs*11) in the LMNA gene. It is expected to result in an absent or disrupted protein product. Loss-of-function variants in LMNA are known to be pathogenic (PMID: 18585512, 18926329). This variant is not present in population databases (gnomAD no frequency). This variant has not been reported in the literature in individuals affected with LMNA-related conditions. For these reasons, this variant has been classified as Pathogenic.

Ambry Genetics
Classification: Pathogenic for Cardiovascular phenotype. Last evaluated: 2024-04-09. Review status: criteria provided, single submitter. Criteria: Ambry Variant Classification Scheme 2023. Collection method: clinical testing. Allele origin: germline.
Comment: The c.1276_1277delAG pathogenic mutation, located in coding exon 7 of the LMNA gene, results from a deletion of two nucleotides at nucleotide positions 1276 to 1277, causing a translational frameshift with a predicted alternate stop codon (p.S426Pfs*11). This variant is considered to be rare based on population cohorts in the Genome Aggregation Database (gnomAD). This alteration is expected to result in loss of function by premature protein truncation or nonsense-mediated mRNA decay. As such, this alteration is interpreted as a disease-causing mutation.

Literature cited by the submitters: PubMed 18585512 (cited by Labcorp Genetics (formerly Invitae), Labcorp); PubMed 18926329 (cited by Labcorp Genetics (formerly Invitae), Labcorp).